The following is an entry in ClinVar:

ClinVar aggregate classification (germline): Likely benign. Review status: criteria provided, multiple submitters, no conflicts (2 of 4 stars). 3 submissions from 3 submitters: Likely benign (3). Last evaluated 2025-11-09.

Conditions:
Hereditary cancer-predisposing syndrome. Also called: Hereditary neoplastic syndrome; Neoplastic Syndromes, Hereditary; Tumor predisposition; Hereditary Cancer Syndrome. Identifiers: Orphanet 140162, MedGen C0027672, MeSH D009386, MONDO:0015356.
Hereditary breast ovarian cancer syndrome. Also called: Hereditary breast and ovarian cancer syndrome (HBOC); Breast and ovarian cancer; Hereditary breast and ovarian cancer syndrome; Hereditary breast and ovarian cancer; Hereditary breast and/or ovarian cancer syndrome; BRCA1- and BRCA2-Associated Hereditary Breast and Ovarian Cancer. Identifiers: Orphanet 145, MedGen C0677776, MeSH D061325, MONDO:0003582. Disease mechanism: loss of function.
Breast-ovarian cancer, familial, susceptibility to, 2 (BROVCA2). Also called: BRCA2 Hereditary Breast and Ovarian Cancer. Identifiers: Orphanet 145, MedGen C2675520, MONDO:0012933, OMIM 612555. Disease mechanism: loss of function.

Allele frequency attached by ClinVar (database versions not stated): gnomAD exomes below 0.00001; ExAC 0.00001.

Submissions (3):

Labcorp Genetics (formerly Invitae), Labcorp
Classification: Likely benign for Hereditary breast ovarian cancer syndrome. Last evaluated: 2025-11-09. Review status: criteria provided, single submitter. Criteria: Invitae Variant Classification Sherloc (09022015). Collection method: clinical testing. Allele origin: germline.

All of Us Research Program, National Institutes of Health
Classification: Likely benign for Breast-ovarian cancer, familial, susceptibility to, 2. Last evaluated: 2023-05-04. Review status: criteria provided, single submitter. Criteria: ACMG Guidelines, 2015. Collection method: clinical testing. Allele origin: germline. Inheritance: Autosomal dominant inheritance. Observed: 1 variant allele, 1 heterozygote.
Comment: This study involves interpretation of variants in research participants for the purpose of population health screening. Participant phenotype was not available at the time of variant classification. Additional details can be found in publication PMID: 35346344, PMCID: PMC8962531

Ambry Genetics
Classification: Likely benign for Hereditary cancer-predisposing syndrome. Last evaluated: 2016-11-28. Review status: criteria provided, single submitter. Criteria: Ambry Variant Classification Scheme 2023. Collection method: clinical testing. Allele origin: germline.

NM_000059.4(BRCA2):c.312C>T (p.Asp104=)

Gene: BRCA2 (BRCA2 DNA repair associated; plus strand). Cytogenetic location: 13q13.1.
Variant type: single nucleotide variant.
Coding change: c.312C>T on transcript NM_000059.4 (MANE Select); coding-DNA position 312, C replaced by T.
Protein change: p.Asp104=; no amino-acid change (aspartic acid 104 retained).
Molecular consequence: synonymous variant.
Genome position (GRCh38, 1-based): chr13:32,319,321, C>T. VCF-style: chr13-32319321-C-T. GRCh37 (hg19) VCF-style: chr13-32893458-C-T.
Identifiers: ClinVar variation 483065 (VCV000483065.15), dbSNP rs761743878, ClinGen allele CA6940339.
Genomic context (GRCh38, chr13:32,319,321, plus strand): 5'-AGGGCTGACTCTGCCGCTGTACCAATCTCCTGTAAAAGAATTAGATAAATTCAAATTAGA[C>T]TTAGGTAAGTAATGCAATATGGTAGACTGGGGAGAACTACAAACTAGGAATTTAGGCAAA-3'
Protein context (NP_000050.3, residues 94-114): PVKELDKFKL[Asp104=]LGRNVPNSRH